The following is an entry in ClinVar:

ClinVar aggregate classification (germline): Uncertain significance. Review status: criteria provided, multiple submitters, no conflicts (2 of 4 stars). 5 submissions from 5 submitters: Uncertain significance (4). 1 of the submissions does not count toward it. Last evaluated 2025-03-20.

Conditions:
CFTR-related disorder (CFTR-RD). Also called: CFTR-related disorders; CFTR-related condition. Identifiers: MedGen C5924204, MONDO:7770004.
Cystic fibrosis (CF). Also called: MUCOVISCIDOSIS. Identifiers: Orphanet 586, MedGen C0010674, MONDO:0009061, OMIM 219700. Disease mechanism: loss of function.

gnomAD v4.1: 8 of 1,614,004 alleles (0.0005%); highest among the groups gnomAD compares: Non-Finnish European, 0.00068%; no homozygotes.

Submissions (5):

Labcorp Genetics (formerly Invitae), Labcorp
Classification: Uncertain significance for Cystic fibrosis. Last evaluated: 2025-03-20. Review status: criteria provided, single submitter. Criteria: Invitae Variant Classification Sherloc (09022015). Collection method: clinical testing. Allele origin: germline.
Comment: This sequence change replaces aspartic acid, which is acidic and polar, with asparagine, which is neutral and polar, at codon 1425 of the CFTR protein (p.Asp1425Asn). This variant is not present in population databases (gnomAD no frequency). This variant has not been reported in the literature in individuals affected with CFTR-related conditions. ClinVar contains an entry for this variant (Variation ID: 495950). Invitae Evidence Modeling of protein sequence and biophysical properties (such as structural, functional, and spatial information, amino acid conservation, physicochemical variation, residue mobility, and thermodynamic stability) indicates that this missense variant is expected to disrupt CFTR protein function with a positive predictive value of 80%. In summary, the available evidence is currently insufficient to determine the role of this variant in disease. Therefore, it has been classified as a Variant of Uncertain Significance.

Ambry Genetics
Classification: Uncertain significance for Cystic fibrosis. Last evaluated: 2025-03-14. Review status: criteria provided, single submitter. Criteria: Ambry Variant Classification Scheme 2023. Collection method: clinical testing. Allele origin: germline.
Comment: The p.D1425N variant (also known as c.4273G>A), located in coding exon 27 of the CFTR gene, results from a G to A substitution at nucleotide position 4273. The aspartic acid at codon 1425 is replaced by asparagine, an amino acid with highly similar properties. This amino acid position is not well conserved in available vertebrate species. In addition, the in silico prediction for this alteration is inconclusive. Based on the available evidence, the clinical significance of this variant remains unclear.

Mayo Clinic Laboratories, Mayo Clinic
Classification: Uncertain significance. Last evaluated: 2021-02-01. Review status: criteria provided, single submitter. Criteria: ACMG Guidelines, 2015. Collection method: clinical testing. Allele origin: germline. Observed: 1 variant allele.

Women's Health and Genetics/Laboratory Corporation of America, LabCorp
Classification: Uncertain significance. Last evaluated: 2016-12-27. Review status: criteria provided, single submitter. Criteria: LabCorp Variant Classification Summary - May 2015. Collection method: clinical testing. Allele origin: germline.
Comment: Variant summary: The CFTR c.4273G>A (p.Asp1425Asn) variant involves the alteration of a conserved nucleotide. 3/5 in silico tools predict a damaging outcome for this substitution. This variant is absent in 120948 control chromosomes. The variant of interest has not, to our knowledge, been reported in affected individuals via publications and/or reputable databases/clinical diagnostic laboratories; nor evaluated for functional impact by in vivo/vitro studies. Because of the absence of clinical information and the lack of functional studies, the variant is classified as a variant of uncertain significance (VUS) until additional information becomes available.

Natera, Inc.
Classification: Uncertain significance for CFTR-related disorders. Last evaluated: 2019-02-10. Review status: no assertion criteria provided. Collection method: clinical testing. Allele origin: germline. Not counted in ClinVar's aggregate classification.

NM_000492.4(CFTR):c.4273G>A (p.Asp1425Asn)

Genes: CFTR (CF transmembrane conductance regulator; plus strand), LOC111674477 (CFTR intron 23 enhancer; plus strand). Cytogenetic location: 7q31.2.
Variant type: single nucleotide variant.
Coding change: c.4273G>A on transcript NM_000492.4 (MANE Select); coding-DNA position 4273, G replaced by A.
Protein change: p.Asp1425Asn; replaces aspartic acid 1425 with asparagine.
Molecular consequence: missense variant.
Genome position (GRCh38, 1-based): chr7:117,666,938, G>A. VCF-style: chr7-117666938-G-A. GRCh37 (hg19) VCF-style: chr7-117306992-G-A.
Other names: p.Asp1425Asn; short protein forms D1425N.
Identifiers: ClinVar variation 495950 (VCV000495950.6), dbSNP rs867990936, ClinGen allele CA164961707.